The following is an entry in ClinVar:

NM_007294.4(BRCA1):c.2967del (p.Phe989fs)

Gene: BRCA1 (BRCA1 DNA repair associated; minus strand). Cytogenetic location: 17q21.31.
Variant type: Deletion.
Coding change: c.2967del on transcript NM_007294.4 (MANE Select); coding-DNA position 2967, one base deleted (T; older notation c.2967delT).
Protein change: p.Phe989fs; shifts the reading frame from phenylalanine 989.
Molecular consequence: frameshift variant. On other transcripts: intron variant (137).
Genome position (GRCh38, 1-based): chr17:43,092,564, A deleted on the plus strand (T on the coding strand, the reverse complement: BRCA1 is on the minus strand); the first of 3 consecutive A bases (chr17:43,092,564-43,092,566); deleting any one gives the same sequence. VCF-style (leftmost placement, unchanged base first): chr17-43092563-CA-C. GRCh37 (hg19) VCF-style: chr17-41244580-CA-C.
Other names: c.2967delT (NM_007294.3); c.2754del, p.Phe918fs (NM_001407571.1, NM_001407853.1, NM_001407894.1 and 9 more transcripts); c.2967del, p.Phe989fs (NM_001407581.1, NM_001407582.1, NM_001407583.1 and 30 more transcripts); c.2964del, p.Phe988fs (NM_001407587.1, NM_001407590.1, NM_001407591.1 and 22 more transcripts); c.2958del, p.Phe986fs (NM_001407646.1, NM_001407647.1); c.2844del, p.Phe948fs (NM_001407648.1, NM_001407664.1, NM_001407665.1 and 19 more transcripts); c.2841del, p.Phe947fs (NM_001407649.1, NM_001407670.1, NM_001407671.1 and 11 more transcripts); c.2889del, p.Phe963fs (NM_001407653.1, NM_001407654.1, NM_001407655.1 and 4 more transcripts); and 42 more; short protein forms F942fs, F989fs, F862fs, F900fs, F901fs, F693fs, F878fs, F918fs.
Identifiers: ClinVar variation 54733 (VCV000054733.3), dbSNP rs397509028, ClinGen allele CA001929.

ClinVar aggregate classification (germline): Pathogenic. Review status: reviewed by expert panel (3 of 4 stars). 2 submissions from 2 submitters: Pathogenic (1). 1 of the submissions does not count toward it. Last evaluated 2017-12-15.

Conditions:
Breast-ovarian cancer, familial, susceptibility to, 1 (BROVCA1). Also called: OVARIAN CANCER, SUSCEPTIBILITY TO; BRCA1 Hereditary Breast and Ovarian Cancer. Identifiers: Orphanet 145, MedGen C2676676, MONDO:0011450, OMIM 604370. Disease mechanism: loss of function.
Familial cancer of breast. Also called: Hereditary breast cancer; hereditary breast carcinoma; BREAST CANCER, FAMILIAL. Identifiers: Orphanet 227535, MedGen C0346153, MONDO:0016419, OMIM 114480. Disease mechanism: loss of function.

Submissions (2):

Evidence-based Network for the Interpretation of Germline Mutant Alleles (ENIGMA)
Classification: Pathogenic for Breast-ovarian cancer, familial, susceptibility to, 1. Last evaluated: 2017-12-15. Review status: reviewed by expert panel. Criteria: ENIGMA BRCA1/2 Classification Criteria (2017-06-29). Collection method: curation. Allele origin: germline. Study: ENIGMA.
Comment: Variant allele predicted to encode a truncated non-functional protein.

ClinVar Staff, National Center for Biotechnology Information (NCBI)
No classification provided. Condition: Familial cancer of breast. Review status: no classification provided. Collection method: literature only. Allele origin: germline. Affected: yes. Not counted in ClinVar's aggregate classification.

Literature cited by the submitters: PubMed 18662409 (cited by ClinVar Staff, National Center for Biotechnology Information (NCBI)).